The following is an entry in ClinVar:

NM_000202.8(IDS):c.241-9C>G

Gene: IDS (iduronate 2-sulfatase; minus strand). Cytogenetic location: Xq28.
Variant type: single nucleotide variant.
Coding change: c.241-9C>G on transcript NM_000202.8 (MANE Select); 9 bases into the intron before coding-DNA position 241, C replaced by G.
Molecular consequence: intron variant.
Genome position (GRCh38, 1-based): chrX:149,503,498, G>C on the plus strand (C>G on the coding strand, the complement: IDS is on the minus strand). VCF-style: chrX-149503498-G-C. GRCh37 (hg19) VCF-style: chrX-148585028-G-C.
Other names: c.15-53C>G (NM_001166550.4); c.241-9C>G (NM_006123.5).
Identifiers: ClinVar variation 988707 (VCV000988707.4), dbSNP rs2089497858, ClinGen allele CA2465010911.
Genomic context (GRCh38, chrX:149,503,498, plus strand): 5'-CAGGTCTCCTGCCAGTGAGGAAAGAAACGCGGCTCGGGGCGCACACTGCTTGCTGTTAGG[G>C]AGCAGAAGCAGAGGTAAGCATCGCCACAGCAAAACATGTCTGCCATCTCTTAGGTAACCA-3'

ClinVar aggregate classification (germline): Conflicting classifications of pathogenicity. Review status: criteria provided, conflicting classifications (1 of 4 stars). 3 submissions from 3 submitters: Likely pathogenic (1); Likely benign (1). 1 of the submissions does not count toward it. Last evaluated 2024-09-20.

Conditions:
Mucopolysaccharidosis, MPS-II (MPS2). Also called: IDS deficiency; Sulfoiduronate sulfatase deficiency; SIDS deficiency; Mucopolysaccharidosis type 2; Mucopolysaccharidosis Type II; Attenuated MPS (subtype; formerly known as mild MPS II). Identifiers: Orphanet 580, Orphanet 79388, MedGen C0026705, MONDO:0010674, OMIM 309900.

Submissions (3):

3billion
Classification: Likely benign for Mucopolysaccharidosis, MPS-II. Last evaluated: 2024-09-20. Review status: criteria provided, single submitter. Criteria: ACMG Guidelines, 2015. Collection method: clinical testing. Allele origin: germline. Affected: no.
Comment: The hemizygous variant was found in patients diagnosed with another variant in a different gene, with no symptoms related to the gene containing the hemizygous variant.

Laboratory of Diagnosis and Therapy of Lysosomal Disorders, University of Padova
Classification: Likely pathogenic for Mucopolysaccharidosis, MPS-II. Last evaluated: 2024-06-07. Review status: criteria provided, single submitter. Criteria: ACMG Guidelines, 2015. Collection method: literature only. Allele origin: germline. Affected: yes. Observed: 2 variant alleles.
Comment: Absent from controls (or at low frequency) in gnomAD database (PM2_Moderate), Patient’s phenotype or family history highly specific for the disease (PP4_Strong)

Classification method: ACMG Guidelines [PMID:25741868] with modifications

Laboratory of Inherited Metabolic Diseases, Research centre for medical genetics
Classification: Pathogenic for Mucopolysaccharidosis, type II; MPS2. Review status: no assertion criteria provided. Collection method: research. Allele origin: germline. Affected: yes. Not counted in ClinVar's aggregate classification.

Literature cited by the submitters: PubMed 33676511 (cited by Laboratory of Diagnosis and Therapy of Lysosomal Disorders, University of Padova).